The following is an entry in ClinVar:

ClinVar aggregate classification (germline): Likely benign (1 of 4 stars; one submission).

gnomAD v4.1: 6 of 1,609,688 alleles (0.00037%); highest among the groups gnomAD compares: Non-Finnish European, 0.00043%; no homozygotes.

Submission:

CeGaT Center for Human Genetics Tuebingen
Classification: Likely benign. Last evaluated: 2026-09-01. Review status: criteria provided, single submitter. Criteria: CeGaT Center For Human Genetics Tuebingen Variant Classification Criteria Version 2. Collection method: clinical testing. Allele origin: germline. Affected: yes. Observed: 1 variant allele.
Comment: TMEM94: BP4, BP7

NM_014738.6(TMEM94):c.1734C>T (p.His578=)

Gene: TMEM94 (transmembrane protein 94; plus strand). Cytogenetic location: 17q25.1.
Variant type: single nucleotide variant.
Coding change: c.1734C>T on transcript NM_014738.6 (MANE Select); coding-DNA position 1734, C replaced by T.
Protein change: p.His578=; no amino-acid change (histidine 578 retained).
Molecular consequence: synonymous variant.
Genome position (GRCh38, 1-based): chr17:75,492,611, C>T. VCF-style: chr17-75492611-C-T. GRCh37 (hg19) VCF-style: chr17-73488692-C-T.
Other names: c.1764C>T, p.His588= (NM_001321148.2, NM_001351203.2); c.1746C>T, p.His582= (NM_001321149.2, NM_001438842.1, NM_001438845.1); c.1686C>T, p.His562= (NM_001351202.2); c.1734C>T, p.His578= (NM_001438841.1, NM_001438844.1, NM_001438847.1); c.1776C>T, p.His592= (NM_001438843.1); c.1716C>T, p.His572= (NM_001438846.1); c.1698C>T, p.His566= (NM_001438848.1).
Identifiers: ClinVar variation 5041063 (VCV005041063.1).